The following is an entry in ClinVar:

ClinVar aggregate classification (germline): Likely benign (1 of 4 stars; one submission).

Conditions:
ARID5B-related disorder. Also called: ARID5B-related condition.

gnomAD v4.1: 48 of 1,608,028 alleles (0.003%); highest among the groups gnomAD compares: East Asian, 0.096%; no homozygotes.

Submission:

PreventionGenetics, part of Exact Sciences
Classification: Likely benign for ARID5B-related condition. Last evaluated: 2026-04-20. Review status: criteria provided, single submitter. Criteria: ACMG Guidelines, 2015. Collection method: clinical testing. Allele origin: germline.
Comment: This variant is classified as likely benign based on ACMG/AMP sequence variant interpretation guidelines (Richards et al. 2015 PMID: 25741868, with internal and published modifications).

NM_032199.3(ARID5B):c.2793C>T (p.Pro931=)

Gene: ARID5B (AT-rich interaction domain 5B; plus strand). Cytogenetic location: 10q21.2.
Variant type: single nucleotide variant.
Coding change: c.2793C>T on transcript NM_032199.3 (MANE Select); coding-DNA position 2793, C replaced by T.
Protein change: p.Pro931=; no amino-acid change (proline 931 retained).
Molecular consequence: synonymous variant.
Genome position (GRCh38, 1-based): chr10:62,092,256, C>T. VCF-style: chr10-62092256-C-T. GRCh37 (hg19) VCF-style: chr10-63852015-C-T.
Other names: c.2064C>T, p.Pro688= (NM_001244638.2).
Identifiers: ClinVar variation 4979098 (VCV004979098.1).